The following is an entry in ClinVar:

ClinVar aggregate classification (germline): Pathogenic. Review status: criteria provided, multiple submitters, no conflicts (2 of 4 stars). 3 submissions from 3 submitters: Pathogenic (2). 1 of the submissions does not count toward it. Last evaluated 2026-01-06.

Conditions:
Inborn genetic diseases. Identifiers: MedGen C0950123, MeSH D030342.
Angelman syndrome (AS). Also called: HAPPY PUPPET SYNDROME. Identifiers: Orphanet 72, MedGen C0162635, MONDO:0007113, OMIM 105830. Disease mechanism: loss of function. Inheritance: AS is caused by disruption of maternally imprinted UBE3A located within the 15q11.2-q13 Angelman syndrome/Prader-Willi syndrome (AS/PWS) region., imprinting disorder.

Submissions (3):

Labcorp Genetics (formerly Invitae), Labcorp
Classification: Pathogenic for Angelman syndrome. Last evaluated: 2026-01-06. Review status: criteria provided, single submitter. Criteria: Invitae Variant Classification Sherloc (09022015). Collection method: clinical testing. Allele origin: germline.
Comment: This sequence change creates a premature translational stop signal (p.Thr325Lysfs*3) in the UBE3A gene. It is expected to result in an absent or disrupted protein product. Loss-of-function variants in UBE3A are known to be pathogenic (PMID: 25212744). This variant is not present in population databases (gnomAD no frequency). This premature translational stop signal has been observed in individual(s) with Angelman syndrome (PMID: 25212744). ClinVar contains an entry for this variant (Variation ID: 155943). For these reasons, this variant has been classified as Pathogenic.

Ambry Genetics
Classification: Pathogenic for Inborn genetic diseases. Last evaluated: 2016-09-16. Review status: criteria provided, single submitter. Criteria: Ambry exome assertion method (8-5-2015). Collection method: clinical testing. Allele origin: germline. Affected: yes. Observed: 1 variant allele.

Baylor Genetics
Classification: Pathogenic for Angelman Syndrome. Last evaluated: 2014-02-14. Review status: no assertion criteria provided. Collection method: clinical testing. Allele origin: germline. Affected: yes. Observed: 1 variant allele. Study: UBE3A Mutation Study. Not counted in ClinVar's aggregate classification.
Comment: Data collected from clinical UBE3A sequence analysis results

Literature cited by the submitters: PubMed 25212744 (cited by 3 submitters).

NM_130839.5(UBE3A):c.1032_1038del (p.Thr345fs)

Genes: SNHG14 (small nucleolar RNA host gene 14; plus strand), UBE3A (ubiquitin protein ligase E3A; minus strand). Cytogenetic location: 15q11.2.
Variant type: Deletion.
Coding change: c.1032_1038del on transcript NM_130839.5 (MANE Select); coding-DNA positions 1032 to 1038, 7 bases deleted (TACTTAT; older notation c.1032_1038delTACTTAT).
Protein change: p.Thr345fs; shifts the reading frame from threonine 345.
Molecular consequence: frameshift variant. On other transcripts: non-coding transcript variant (1), intron variant (2).
Genome position (GRCh38, 1-based): chr15:25,371,136-25,371,142, ATAAGTA deleted on the plus strand (TACTTAT on the coding strand, the reverse complement: UBE3A is on the minus strand); deleting any 7 consecutive bases within chr15:25,371,136-25,371,148 gives the same sequence; the c. name uses the placement nearest the transcript's 3' end. VCF-style (leftmost placement, unchanged base first): chr15-25371135-TATAAGTA-T. GRCh37 (hg19) VCF-style: chr15-25616282-TATAAGTA-T.
Other names: c.1041_1047del, p.Thr348fs (NM_000462.5); c.1032_1038del, p.Thr345fs (NM_001354505.1, NM_001354538.2, NM_001354545.2); c.972_978del, p.Thr325fs (NM_001354506.2, NM_001354507.2, NM_001354508.2 and 17 more transcripts); c.855_861del, p.Thr286fs (NM_001354546.2); c.301+4323_301+4329del (NM_001354551.2); c.361+4323_361+4329del (NM_001354550.2); short protein forms T286fs, T325fs, T345fs, T348fs.
Identifiers: ClinVar variation 155943 (VCV000155943.5), dbSNP rs587781192, ClinGen allele CA333300.